The following is an entry in ClinVar:

ClinVar aggregate classification (germline): Likely benign. Review status: criteria provided, multiple submitters, no conflicts (2 of 4 stars). 3 submissions from 3 submitters: Likely benign (3). Last evaluated 2025-06-09.

Conditions:
Alzheimer disease. Also called: Presenile and senile dementia; Alzheimer's disease. Identifiers: Orphanet 1020, MedGen C0002395, MeSH D000544, MONDO:0004975, HP:0002511.

Allele frequency attached by ClinVar (database versions not stated): gnomAD 0.00001; gnomAD exomes 0.00001; TOPMed 0.00001; ExAC 0.00002.
gnomAD v4.1: 12 of 1,613,760 alleles (0.00074%); highest among the groups gnomAD compares: African/African-American, 0.0027%; no homozygotes.

Submissions (3):

Mayo Clinic Laboratories, Mayo Clinic
Classification: Likely benign. Last evaluated: 2025-06-09. Review status: criteria provided, single submitter. Criteria: ACMG Guidelines, 2015. Collection method: clinical testing. Allele origin: germline. Observed: 1 variant allele.
Comment: BP4, BP7

Women's Health and Genetics/Laboratory Corporation of America, LabCorp
Classification: Likely benign. Last evaluated: 2025-04-14. Review status: criteria provided, single submitter. Criteria: LabCorp Variant Classification Summary - May 2015. Collection method: clinical testing. Allele origin: germline.

Labcorp Genetics (formerly Invitae), Labcorp
Classification: Likely benign for Alzheimer disease. Last evaluated: 2024-01-19. Review status: criteria provided, single submitter. Criteria: Invitae Variant Classification Sherloc (09022015). Collection method: clinical testing. Allele origin: germline.

NM_000484.4(APP):c.1191G>A (p.Arg397=)

Gene: APP (amyloid beta precursor protein; minus strand). Cytogenetic location: 21q21.3.
Variant type: single nucleotide variant.
Coding change: c.1191G>A on transcript NM_000484.4 (MANE Select); coding-DNA position 1191, G replaced by A.
Protein change: p.Arg397=; no amino-acid change (arginine 397 retained).
Molecular consequence: synonymous variant.
Genome position (GRCh38, 1-based): chr21:25,982,377, C>T on the plus strand (G>A on the coding strand, the complement: APP is on the minus strand). VCF-style: chr21-25982377-C-T. GRCh37 (hg19) VCF-style: chr21-27354690-C-T.
Other names: p.Arg397=; c.1119G>A, p.Arg373= (NM_001136016.3); c.798G>A, p.Arg266= (NM_001136129.3); c.1023G>A, p.Arg341= (NM_001136130.3, NM_001385253.1); c.861G>A, p.Arg287= (NM_001136131.3); c.1191G>A, p.Arg397= (NM_001204301.2); c.1134G>A, p.Arg378= (NM_001204302.2, NM_201413.3); c.966G>A, p.Arg322= (NM_001204303.2, NM_201414.3).
Identifiers: ClinVar variation 2990974 (VCV002990974.6), dbSNP rs751421017, ClinGen allele CA9987394.